The following is an entry in ClinVar:

ClinVar aggregate classification (germline): Uncertain significance (1 of 4 stars; one submission).

Conditions:
Hereditary cancer-predisposing syndrome. Also called: Neoplastic Syndromes, Hereditary; Tumor predisposition; Hereditary neoplastic syndrome; Hereditary Cancer Syndrome. Identifiers: Orphanet 140162, MedGen C0027672, MeSH D009386, MONDO:0015356.

Submission:

Ambry Genetics
Classification: Uncertain significance for Hereditary cancer-predisposing syndrome. Last evaluated: 2024-04-11. Review status: criteria provided, single submitter. Criteria: Ambry Variant Classification Scheme 2023. Collection method: clinical testing. Allele origin: germline.
Comment: The p.L1184V variant (also known as c.3550C>G), located in coding exon 25 of the SMARCA4 gene, results from a C to G substitution at nucleotide position 3550. The leucine at codon 1184 is replaced by valine, an amino acid with highly similar properties. This amino acid position is conserved. In addition, the in silico prediction for this alteration is inconclusive. Based on the available evidence, the clinical significance of this variant remains unclear.

NM_003072.5(SMARCA4):c.3550C>G (p.Leu1184Val)

Gene: SMARCA4 (SWI/SNF related BAF chromatin remodeling complex subunit ATPase 4; plus strand). Cytogenetic location: 19p13.2.
Variant type: single nucleotide variant.
Coding change: c.3550C>G on transcript NM_003072.5 (MANE Select); coding-DNA position 3550, C replaced by G.
Protein change: p.Leu1184Val; replaces leucine 1184 with valine.
Molecular consequence: missense variant. On other transcripts: non-coding transcript variant (1).
Genome position (GRCh38, 1-based): chr19:11,033,293, C>G. VCF-style: chr19-11033293-C-G. GRCh37 (hg19) VCF-style: chr19-11143969-C-G.
Other names: c.3550C>G, p.Leu1184Val (NM_001128844.3, NM_001128845.2, NM_001128846.2 and 6 more transcripts); short protein forms L1184V.
Identifiers: ClinVar variation 3320717 (VCV003320717.1).